The following is an entry in ClinVar:

NM_000222.3(KIT):c.1760A>G (p.Asn587Ser)

Gene: KIT (KIT proto-oncogene, receptor tyrosine kinase; plus strand). Cytogenetic location: 4q12.
Variant type: single nucleotide variant.
Coding change: c.1760A>G on transcript NM_000222.3 (MANE Select); coding-DNA position 1760, A replaced by G.
Protein change: p.Asn587Ser; replaces asparagine 587 with serine.
Molecular consequence: missense variant.
Genome position (GRCh38, 1-based): chr4:54,727,528, A>G. VCF-style: chr4-54727528-A-G. GRCh37 (hg19) VCF-style: chr4-55593694-A-G.
Other names: c.1748A>G, p.Asn583Ser (NM_001093772.2, NM_001385286.1); c.1763A>G, p.Asn588Ser (NM_001385284.1, NM_001385290.1); c.1760A>G, p.Asn587Ser (NM_001385285.1); c.1751A>G, p.Asn584Ser (NM_001385288.1, NM_001385292.1); short protein forms N583S, N587S, N584S, N588S.
Identifiers: ClinVar variation 937000 (VCV000937000.7), dbSNP rs1577995255, ClinGen allele CA356907661.
Genomic context (GRCh38, chr4:54,727,528, plus strand): 5'-ATTATGTTTACATAGACCCAACACAACTTCCTTATGATCACAAATGGGAGTTTCCCAGAA[A>G]CAGGCTGAGTTTTGGTCAGTATGAAACAGGGGCTTTCCATGTCACCTTTTTGGGTACACA-3'
Protein context (NP_000213.1, residues 577-597): PYDHKWEFPR[Asn587Ser]RLSFGKTLGA

ClinVar aggregate classification (germline): Uncertain significance. Review status: criteria provided, multiple submitters, no conflicts (2 of 4 stars). 2 submissions from 2 submitters: Uncertain significance (2). Last evaluated 2025-03-20.

Conditions:
Gastrointestinal stromal tumor. Also called: Gastrointestinal stromal tumor, somatic; Gastrointestinal stroma tumor. Identifiers: Orphanet 44890, MedGen C0238198, MeSH D046152, MONDO:0011719, OMIM 606764, HP:0100723.
Hereditary cancer-predisposing syndrome. Also called: Hereditary neoplastic syndrome; Neoplastic Syndromes, Hereditary; Hereditary Cancer Syndrome; Tumor predisposition. Identifiers: Orphanet 140162, MedGen C0027672, MeSH D009386, MONDO:0015356.

Submissions (2):

Ambry Genetics
Classification: Uncertain significance for Hereditary cancer-predisposing syndrome. Last evaluated: 2025-03-20. Review status: criteria provided, single submitter. Criteria: Ambry Variant Classification Scheme 2023. Collection method: clinical testing. Allele origin: germline.
Comment: The p.N587S variant (also known as c.1760A>G), located in coding exon 11 of the KIT gene, results from an A to G substitution at nucleotide position 1760. The asparagine at codon 587 is replaced by serine, an amino acid with highly similar properties. This amino acid position is conserved. In addition, the in silico prediction for this alteration is inconclusive. Based on the available evidence, the clinical significance of this variant remains unclear.

Labcorp Genetics (formerly Invitae), Labcorp
Classification: Uncertain significance for Gastrointestinal stromal tumor. Last evaluated: 2021-08-26. Review status: criteria provided, single submitter. Criteria: Invitae Variant Classification Sherloc (09022015). Collection method: clinical testing. Allele origin: germline.
Comment: This sequence change replaces asparagine with serine at codon 587 of the KIT protein (p.Asn587Ser). The asparagine residue is highly conserved and there is a small physicochemical difference between asparagine and serine. This variant is not present in population databases (ExAC no frequency). This variant has not been reported in the literature in individuals affected with KIT-related conditions. Algorithms developed to predict the effect of missense changes on protein structure and function are either unavailable or do not agree on the potential impact of this missense change (SIFT: "Deleterious"; PolyPhen-2: "Benign"; Align-GVGD: "Class C15"). In summary, the available evidence is currently insufficient to determine the role of this variant in disease. Therefore, it has been classified as a Variant of Uncertain Significance.